The following is an entry in ClinVar:

ClinVar aggregate classification (germline): Benign. Review status: criteria provided, multiple submitters, no conflicts (2 of 4 stars). 4 submissions from 4 submitters: Benign (3). 1 of the submissions does not count toward it. Last evaluated 2026-09-01.

Conditions:
DNAH7-related disorder. Also called: DNAH7-related condition.

Allele frequency attached by ClinVar (database versions not stated): 1000 Genomes Project 0.00020; TOPMed 0.00089; ESP Exome Variant Server 0.00102; gnomAD exomes 0.00162 and 0.00299; gnomAD 0.00251 and 0.00274; ExAC 0.00262; 1000 Genomes Project 30x 0.00016.
gnomAD v4.1: 2,721 of 1,605,446 alleles (0.17%); highest among the groups gnomAD compares: Non-Finnish European, 0.097%; 26 homozygotes.

Submissions (4):

CeGaT Center for Human Genetics Tuebingen
Classification: Benign. Last evaluated: 2026-09-01. Review status: criteria provided, single submitter. Criteria: CeGaT Center For Human Genetics Tuebingen Variant Classification Criteria Version 2. Collection method: clinical testing. Allele origin: germline. Affected: yes. Observed: 6 variant alleles.
Comment: DNAH7: BS1, BS2

Labcorp Genetics (formerly Invitae), Labcorp
Classification: Benign. Last evaluated: 2018-04-26. Review status: criteria provided, single submitter. Criteria: Invitae Variant Classification Sherloc (09022015). Collection method: clinical testing. Allele origin: germline.

Breakthrough Genomics
Classification: Benign. Review status: criteria provided, single submitter. Criteria: ACMG Guidelines, 2015. Collection method: not provided. Allele origin: germline. Inheritance: Unknown mechanism. Affected: yes.

PreventionGenetics, part of Exact Sciences
Classification: Likely benign for DNAH7-related condition. Last evaluated: 2019-05-23. Review status: no assertion criteria provided. Collection method: clinical testing. Allele origin: germline. Not counted in ClinVar's aggregate classification.
Comment: This variant is classified as likely benign based on ACMG/AMP sequence variant interpretation guidelines (Richards et al. 2015 PMID: 25741868, with internal and published modifications).

NM_018897.3(DNAH7):c.1274T>C (p.Ile425Thr)

Gene: DNAH7 (dynein axonemal heavy chain 7; minus strand). Cytogenetic location: 2q32.3.
Variant type: single nucleotide variant.
Coding change: c.1274T>C on transcript NM_018897.3 (MANE Select); coding-DNA position 1274, T replaced by C.
Protein change: p.Ile425Thr; replaces isoleucine 425 with threonine.
Molecular consequence: missense variant.
Genome position (GRCh38, 1-based): chr2:196,000,783, A>G on the plus strand (T>C on the coding strand, the complement: DNAH7 is on the minus strand). VCF-style: chr2-196000783-A-G. GRCh37 (hg19) VCF-style: chr2-196865507-A-G.
Other names: short protein forms I425T.
Identifiers: ClinVar variation 725770 (VCV000725770.28), dbSNP rs201322560, ClinGen allele CA2036701.